The following is an entry in ClinVar:

ClinVar aggregate classification (germline): Uncertain significance (1 of 4 stars; one submission).

Submission:

GeneDx
Classification: Uncertain significance. Last evaluated: 2026-04-12. Review status: criteria provided, single submitter. Criteria: GeneDx Variant Classification Process June 2021. Collection method: clinical testing. Allele origin: germline.
Comment: Not observed at significant frequency in large population cohorts (gnomAD); In silico analysis supports that this missense variant has a deleterious effect on protein structure/function; Has not been previously published as pathogenic or benign to our knowledge

NM_001458.5(FLNC):c.4538A>G (p.Tyr1513Cys)

Gene: FLNC (filamin C; plus strand). Cytogenetic location: 7q32.1.
Variant type: single nucleotide variant.
Coding change: c.4538A>G on transcript NM_001458.5 (MANE Select); coding-DNA position 4538, A replaced by G.
Protein change: p.Tyr1513Cys; replaces tyrosine 1513 with cysteine.
Molecular consequence: missense variant.
Genome position (GRCh38, 1-based): chr7:128,848,026, A>G. VCF-style: chr7-128848026-A-G. GRCh37 (hg19) VCF-style: chr7-128488080-A-G.
Other names: c.4538A>G, p.Tyr1513Cys (NM_001127487.2); short protein forms Y1513C.
Identifiers: ClinVar variation 5018431 (VCV005018431.1).
Genomic context (GRCh38, chr7:128,848,026, plus strand): 5'-TGCGGGACAATGGAGATGGCACCCACACTGTCCACTACACCCCAGCCACTGACGGGCCCT[A>G]CACGGTAGCCGTCAAGTATGCTGACCAGGAGGTGCCACGCAGGTGAGGACCAGCCCTGGG-3'
Protein context (NP_001449.3, residues 1503-1523): VHYTPATDGP[Tyr1513Cys]TVAVKYADQE